The following is an entry in ClinVar:

NM_000340.2(SLC2A2):c.557del (p.Gly186fs)

Gene: SLC2A2 (solute carrier family 2 member 2; minus strand). Cytogenetic location: 3q26.2.
Variant type: Deletion.
Coding change: c.557del on transcript NM_000340.2 (MANE Select); coding-DNA position 557, one base deleted (G; older notation c.557delG).
Protein change: p.Gly186fs; shifts the reading frame from glycine 186.
Molecular consequence: frameshift variant.
Genome position (GRCh38, 1-based): chr3:171,007,203, C deleted on the plus strand (G on the coding strand, the reverse complement: SLC2A2 is on the minus strand); the first of 4 consecutive C bases (chr3:171,007,203-171,007,206); deleting any one gives the same sequence. VCF-style (leftmost placement, unchanged base first): chr3-171007202-TC-T. GRCh37 (hg19) VCF-style: chr3-170724991-TC-T.
Other names: c.200del, p.Gly67fs (NM_001278658.2); c.38del, p.Gly13fs (NM_001278659.2); short protein forms G13fs, G186fs, G67fs.
Identifiers: ClinVar variation 2631130 (VCV002631130.1), dbSNP rs771799491, ClinGen allele CA2702644.

ClinVar aggregate classification (germline): Likely pathogenic (1 of 4 stars; one submission).

Conditions:
SLC2A2-related disorder. Also called: SLC2A2-related condition.

Submission:

PreventionGenetics, part of Exact Sciences
Classification: Likely pathogenic for SLC2A2-related condition. Last evaluated: 2023-08-23. Review status: criteria provided, single submitter. Criteria: ACMG Guidelines, 2015. Collection method: clinical testing. Allele origin: germline.
Comment: The SLC2A2 c.557delG variant is predicted to result in a frameshift and premature protein termination (p.Gly186Glufs*65). To our knowledge, this variant has not been reported in the literature. This variant is reported in 0.0062% of alleles in individuals of African descent in gnomAD. Frameshift variants in SLC2A2 are expected to be pathogenic. This variant is interpreted as likely pathogenic.